The following is an entry in ClinVar:

NM_000090.4(COL3A1):c.446A>T (p.Gln149Leu)

Gene: COL3A1 (collagen type III alpha 1 chain; plus strand). Cytogenetic location: 2q32.2.
Variant type: single nucleotide variant.
Coding change: c.446A>T on transcript NM_000090.4 (MANE Select); coding-DNA position 446, A replaced by T.
Protein change: p.Gln149Leu; replaces glutamine 149 with leucine.
Molecular consequence: missense variant.
Genome position (GRCh38, 1-based): chr2:188,985,777, A>T. VCF-style: chr2-188985777-A-T. GRCh37 (hg19) VCF-style: chr2-189850503-A-T.
Other names: short protein forms Q149L.
Identifiers: ClinVar variation 2775085 (VCV002775085.5), dbSNP rs2469108511, ClinGen allele CA349848011.
Genomic context (GRCh38, chr2:188,985,777, plus strand): 5'-CAGGGTCCCCTGGTTCTCCTGGCCCCCCTGGAATCTGTGAATCATGCCCTACTGGTCCTC[A>T]GGTATAACAATTACGGTACTTAAAAAATTCCCTCATAAAACTATCTAGTTCATCTTCTTT-3'
Protein context (NP_000081.2, residues 139-159): GICESCPTGP[Gln149Leu]NYSPQYDSYD

ClinVar aggregate classification (germline): Uncertain significance. Review status: criteria provided, multiple submitters, no conflicts (2 of 4 stars). 4 submissions from 4 submitters: Uncertain significance (4). Last evaluated 2026-08-08.

Conditions:
Ehlers-Danlos syndrome, type 4 (EDSVASC). Also called: Ehlers-Danlos Syndrome Type IV; Ehlers-Danlos syndrome vascular type; Ehlers Danlos syndrome, ecchymotic type; Ehlers Danlos syndrome, arterial type; Ehlers Danlos syndrome, Sack-Barabas type. Identifiers: Orphanet 286, MedGen C0268338, MONDO:0017314, OMIM 130050.
Familial thoracic aortic aneurysm and aortic dissection (TAAD). Also called: Thoracic aortic aneurysms and dissections. Identifiers: Orphanet 91387, MedGen C4707243, MONDO:0019625.

Submissions (4):

Ambry Genetics
Classification: Uncertain significance for Familial thoracic aortic aneurysm and aortic dissection. Last evaluated: 2026-08-08. Review status: criteria provided, single submitter. Criteria: Ambry Variant Classification Scheme 2023. Collection method: clinical testing. Allele origin: germline.
Comment: The p.Q149L variant (also known as c.446A>T), located in coding exon 4 of the COL3A1 gene, results from an A to T substitution at nucleotide position 446. The glutamine at codon 149 is replaced by leucine, an amino acid with dissimilar properties. This amino acid position is conserved. In addition, the in silico prediction for this alteration is inconclusive. Based on the available evidence, the clinical significance of this variant remains unclear.

Labcorp Genetics (formerly Invitae), Labcorp
Classification: Uncertain significance for Ehlers-Danlos syndrome, type 4. Last evaluated: 2025-02-24. Review status: criteria provided, single submitter. Criteria: Invitae Variant Classification Sherloc (09022015). Collection method: clinical testing. Allele origin: germline.
Comment: This sequence change replaces glutamine, which is neutral and polar, with leucine, which is neutral and non-polar, at codon 149 of the COL3A1 protein (p.Gln149Leu). This variant is not present in population databases (gnomAD no frequency). This variant has not been reported in the literature in individuals affected with COL3A1-related conditions. ClinVar contains an entry for this variant (Variation ID: 2775085). Experimental studies and prediction algorithms are not available or were not evaluated, and the functional significance of this variant is currently unknown. Algorithms developed to predict the effect of sequence changes on RNA splicing suggest that this variant may disrupt the consensus splice site. In summary, the available evidence is currently insufficient to determine the role of this variant in disease. Therefore, it has been classified as a Variant of Uncertain Significance.

All of Us Research Program, National Institutes of Health
Classification: Uncertain significance for Ehlers-Danlos syndrome, type 4. Last evaluated: 2023-04-10. Review status: criteria provided, single submitter. Criteria: ACMG Guidelines, 2015. Collection method: clinical testing. Allele origin: germline. Inheritance: Autosomal dominant inheritance. Observed: 1 variant allele, 1 heterozygote.
Comment: This missense variant replaces glutamine with leucine at codon 149 of the COL3A1 protein. Computational prediction suggests that this variant may not impact protein structure and function (internally defined REVEL score threshold <= 0.5, PMID: 27666373). To our knowledge, functional studies have not been reported for this variant. This variant has not been reported in individuals affected with COL3A1-related disorders in the literature. This variant has not been identified in the general population by the Genome Aggregation Database (gnomAD). The available evidence is insufficient to determine the role of this variant in disease conclusively. Therefore, this variant is classified as a Variant of Uncertain Significance.

This study involves interpretation of variants in research participants for the purpose of population health screening. Participant phenotype was not available at the time of variant classification. Additional details can be found in publication PMID: 35346344, PMCID: PMC8962531

Color Diagnostics, LLC DBA Color Health
Classification: Uncertain significance for Familial thoracic aortic aneurysm and aortic dissection. Last evaluated: 2022-11-07. Review status: criteria provided, single submitter. Criteria: ACMG Guidelines, 2015. Collection method: clinical testing. Allele origin: germline.
Comment: This missense variant replaces glutamine with leucine at codon 149 of the COL3A1 protein. Computational prediction suggests that this variant may not impact protein structure and function (internally defined REVEL score threshold <= 0.5, PMID: 27666373). To our knowledge, functional studies have not been reported for this variant. This variant has not been reported in individuals affected with COL3A1-related disorders in the literature. This variant has not been identified in the general population by the Genome Aggregation Database (gnomAD). The available evidence is insufficient to determine the role of this variant in disease conclusively. Therefore, this variant is classified as a Variant of Uncertain Significance.